The following is an entry in ClinVar:

NM_000487.6(ARSA):c.400G>A (p.Gly134Arg)

Gene: ARSA (arylsulfatase A; minus strand). Cytogenetic location: 22q13.33.
Variant type: single nucleotide variant.
Coding change: c.400G>A on transcript NM_000487.6 (MANE Select); coding-DNA position 400, G replaced by A.
Protein change: p.Gly134Arg; replaces glycine 134 with arginine.
Molecular consequence: missense variant.
Genome position (GRCh38, 1-based): chr22:50,627,231, C>T on the plus strand (G>A on the coding strand, the complement: ARSA is on the minus strand). VCF-style: chr22-50627231-C-T. GRCh37 (hg19) VCF-style: chr22-51065659-C-T.
Other names: c.400G>A, p.Gly134Arg (NM_001085425.3, NM_001085426.3, NM_001085427.3); c.142G>A, p.Gly48Arg (NM_001085428.3, NM_001362782.2); short protein forms G134R, G48R.
Identifiers: ClinVar variation 4072811 (VCV004072811.1).

ClinVar aggregate classification (germline): Uncertain significance (1 of 4 stars; one submission).

Submission:

GeneDx
Classification: Uncertain significance. Last evaluated: 2025-02-04. Review status: criteria provided, single submitter. Criteria: GeneDx Variant Classification Process June 2021. Collection method: clinical testing. Allele origin: germline. Affected: yes.
Comment: Not observed at significant frequency in large population cohorts (gnomAD); In silico analysis supports that this missense variant has a deleterious effect on protein structure/function; Has not been previously published as pathogenic or benign to our knowledge